The following is an entry in ClinVar:

ClinVar aggregate classification (germline): Likely benign. Review status: criteria provided, single submitter (1 of 4 stars). 2 submissions from 2 submitters: Likely benign (1). 1 of the submissions does not count toward it. Last evaluated 2026-07-01.

Conditions:
YY1AP1-related disorder. Also called: YY1AP1-related condition.

Submissions (2):

CeGaT Center for Human Genetics Tuebingen
Classification: Likely benign. Last evaluated: 2026-07-01. Review status: criteria provided, single submitter. Criteria: CeGaT Center For Human Genetics Tuebingen Variant Classification Criteria Version 2. Collection method: clinical testing. Allele origin: germline. Affected: yes. Observed: 1 variant allele.
Comment: YY1AP1: BP4, BS2

PreventionGenetics, part of Exact Sciences
Classification: Likely benign for YY1AP1-related condition. Last evaluated: 2024-07-11. Review status: no assertion criteria provided. Collection method: clinical testing. Allele origin: germline. Not counted in ClinVar's aggregate classification.
Comment: This variant is classified as likely benign based on ACMG/AMP sequence variant interpretation guidelines (Richards et al. 2015 PMID: 25741868, with internal and published modifications).

NM_139119.3(YY1AP1):c.1453G>A (p.Ala485Thr)

Gene: YY1AP1 (YY1 associated protein 1; minus strand). Cytogenetic location: 1q22.
Variant type: single nucleotide variant.
Coding change: c.1453G>A on transcript NM_139119.3 (MANE Select); coding-DNA position 1453, G replaced by A.
Protein change: p.Ala485Thr; replaces alanine 485 with threonine.
Molecular consequence: missense variant. On other transcripts: 3 prime UTR variant (1).
Genome position (GRCh38, 1-based): chr1:155,660,457, C>T on the plus strand (G>A on the coding strand, the complement: YY1AP1 is on the minus strand). VCF-style: chr1-155660457-C-T. GRCh37 (hg19) VCF-style: chr1-155630248-C-T.
Other names: c.1420G>A, p.Ala474Thr (NM_001198899.2, NM_001198900.2, NM_018253.4); c.1453G>A, p.Ala485Thr (NM_001198901.2, NM_001198902.2); c.1867G>A, p.Ala623Thr (NM_001198903.1); c.1807G>A, p.Ala603Thr (NM_001198904.1); c.1393G>A, p.Ala465Thr (NM_001198905.2); c.*396G>A (NM_001198906.2); c.1591G>A, p.Ala531Thr (NM_139118.3); c.1255G>A, p.Ala419Thr (NM_139121.3); short protein forms A419T, A465T, A474T, A485T, A531T, A603T, A623T.
Identifiers: ClinVar variation 3353207 (VCV003353207.2).